The following is an entry in ClinVar:

ClinVar aggregate classification (germline): Uncertain significance. Review status: criteria provided, multiple submitters, no conflicts (2 of 4 stars). 2 submissions from 2 submitters: Uncertain significance (2). Last evaluated 2024-02-22.

Conditions:
Neuronopathy, distal hereditary motor, autosomal recessive 4. Also called: NEUROPATHY, DISTAL HEREDITARY MOTOR, AUTOSOMAL RECESSIVE 4; Autosomal recessive lower motor neuron disease with childhood onset. Identifiers: Orphanet 206580, MedGen C1970211, MONDO:0012608, OMIM 611067.
Charcot-Marie-Tooth disease recessive intermediate C. Also called: CHARCOT-MARIE-TOOTH NEUROPATHY, RECESSIVE INTERMEDIATE C. Identifiers: Orphanet 369867, MedGen C3809309, MONDO:0014154, OMIM 615376.

Allele frequency attached by ClinVar (database versions not stated): gnomAD exomes below 0.00001; gnomAD 0.00001.
gnomAD v4.1: 3 of 1,613,052 alleles (0.00019%); highest among the groups gnomAD compares: Middle Eastern, 0.016%; no homozygotes.

Submissions (2):

GeneDx
Classification: Uncertain significance. Last evaluated: 2024-02-22. Review status: criteria provided, single submitter. Criteria: GeneDx Variant Classification Process June 2021. Collection method: clinical testing. Allele origin: germline. Affected: yes.
Comment: Not observed at significant frequency in large population cohorts (gnomAD); In silico analysis supports that this missense variant does not alter protein structure/function; Has not been previously published as pathogenic or benign to our knowledge

Labcorp Genetics (formerly Invitae), Labcorp
Classification: Uncertain significance for Neuronopathy, distal hereditary motor, autosomal recessive 4; Charcot-Marie-Tooth disease recessive intermediate C. Last evaluated: 2023-12-04. Review status: criteria provided, single submitter. Criteria: Invitae Variant Classification Sherloc (09022015). Collection method: clinical testing. Allele origin: germline.
Comment: This sequence change replaces isoleucine, which is neutral and non-polar, with serine, which is neutral and polar, at codon 737 of the PLEKHG5 protein (p.Ile737Ser). This variant is not present in population databases (gnomAD no frequency). This variant has not been reported in the literature in individuals affected with PLEKHG5-related conditions. An algorithm developed to predict the effect of missense changes on protein structure and function (PolyPhen-2) suggests that this variant is likely to be tolerated. In summary, the available evidence is currently insufficient to determine the role of this variant in disease. Therefore, it has been classified as a Variant of Uncertain Significance.

NM_020631.6(PLEKHG5):c.2210T>G (p.Ile737Ser)

Gene: PLEKHG5 (pleckstrin homology and RhoGEF domain containing G5; minus strand). Cytogenetic location: 1p36.31.
Variant type: single nucleotide variant.
Coding change: c.2210T>G on transcript NM_020631.6 (MANE Select); coding-DNA position 2210, T replaced by G.
Protein change: p.Ile737Ser; replaces isoleucine 737 with serine.
Molecular consequence: missense variant.
Genome position (GRCh38, 1-based): chr1:6,469,081, A>C on the plus strand (T>G on the coding strand, the complement: PLEKHG5 is on the minus strand). VCF-style: chr1-6469081-A-C. GRCh37 (hg19) VCF-style: chr1-6529141-A-C.
Other names: c.2210T>G, p.Ile737Ser (NM_001265594.3, NM_198681.4, NM_001042664.2 and 1 more transcripts); c.2210T>G (NM_020631.4); c.2321T>G, p.Ile774Ser (NM_001042663.3, NM_001265592.2); c.2417T>G, p.Ile806Ser (NM_001265593.2); short protein forms I806S, I737S, I774S.
Identifiers: ClinVar variation 2924427 (VCV002924427.4), dbSNP rs1644484048, ClinGen allele CA338117997.